The following is an entry in ClinVar:

NM_001447.3(FAT2):c.10390T>C (p.Phe3464Leu)

Genes: FAT2 (FAT atypical cadherin 2; minus strand), SLC36A1 (solute carrier family 36 member 1; plus strand). Cytogenetic location: 5q33.1.
Variant type: single nucleotide variant.
Coding change: c.10390T>C on transcript NM_001447.3 (MANE Select); coding-DNA position 10390, T replaced by C.
Protein change: p.Phe3464Leu; replaces phenylalanine 3464 with leucine.
Molecular consequence: missense variant.
Genome position (GRCh38, 1-based): chr5:151,525,884, A>G on the plus strand (T>C on the coding strand, the complement: FAT2 is on the minus strand). VCF-style: chr5-151525884-A-G. GRCh37 (hg19) VCF-style: chr5-150905445-A-G.
Other names: short protein forms F3464L.
Identifiers: ClinVar variation 3056327 (VCV003056327.2), dbSNP rs1224254121, ClinGen allele CA361825553.
Genomic context (GRCh38, chr5:151,525,884, plus strand): 5'-CCAGCCATCCATCCGGGGTCACTCGGAAGGCAGAGCCGTTGTTCCCCTTGGTGATTCGAA[A>G]CGAGTAGGGGGGGCCATTCTCTGGAGAATCTGGGTCACTCAGGATCAGCTGCAGGACTTT-3'
Protein context (NP_001438.1, residues 3454-3474): DSPENGPPYS[Phe3464Leu]RITKGNNGSA

ClinVar aggregate classification (germline): Uncertain significance (0 of 4 stars; one submission).

Conditions:
FAT2-related disorder. Also called: FAT2-related condition.

Submission:

PreventionGenetics, part of Exact Sciences
Classification: Uncertain significance for FAT2-related condition. Last evaluated: 2024-01-11. Review status: no assertion criteria provided. Collection method: clinical testing. Allele origin: germline.
Comment: The FAT2 c.10390T>C variant is predicted to result in the amino acid substitution p.Phe3464Leu. To our knowledge, this variant has not been reported in the literature or in a large population database, indicating this variant is rare. At this time, the clinical significance of this variant is uncertain due to the absence of conclusive functional and genetic evidence.